The following is an entry in ClinVar:

NM_004629.2(FANCG):c.1354G>A (p.Val452Ile)

Gene: FANCG (FA complementation group G; minus strand). Cytogenetic location: 9p13.3.
Variant type: single nucleotide variant.
Coding change: c.1354G>A on transcript NM_004629.2 (MANE Select); coding-DNA position 1354, G replaced by A.
Protein change: p.Val452Ile; replaces valine 452 with isoleucine.
Molecular consequence: missense variant.
Genome position (GRCh38, 1-based): chr9:35,075,544, C>T on the plus strand (G>A on the coding strand, the complement: FANCG is on the minus strand). VCF-style: chr9-35075544-C-T. GRCh37 (hg19) VCF-style: chr9-35075541-C-T.
Other names: short protein forms V452I.
Identifiers: ClinVar variation 1337526 (VCV001337526.6), dbSNP rs756069860, ClinGen allele CA5039765.
Genomic context (GRCh38, chr9:35,075,544, plus strand): 5'-CCACTTTTTGGGCACCCAGTTGAACCCAGGCCTGGCCCTGAAGCAGGTGGGTGGCAGAGA[C>T]CCAGAGTGGGCAGTATGGCAGTTCCTTGGTTCCTTTTCTGGCATCTTCCCACAGCCGGGA-3'
Protein context (NP_004620.1, residues 442-462): TKELPYCPLW[Val452Ile]SATHLLQGQA

ClinVar aggregate classification (germline): Uncertain significance. Review status: criteria provided, multiple submitters, no conflicts (2 of 4 stars). 3 submissions from 3 submitters: Uncertain significance (3). Last evaluated 2025-01-28.

Conditions:
Inborn genetic diseases. Identifiers: MedGen C0950123, MeSH D030342.
Fanconi anemia complementation group G. Also called: Fanconi anemia group G; FANCG-Related Fanconi Anemia. Identifiers: Orphanet 84, MedGen C3469527, MONDO:0013565, OMIM 614082.

Allele frequency attached by ClinVar (database versions not stated): TOPMed below 0.00001; gnomAD 0.00001; ExAC 0.00004; gnomAD exomes 0.00005.
gnomAD v4.1: 25 of 1,614,030 alleles (0.0015%); highest among the groups gnomAD compares: South Asian, 0.025%; no homozygotes.

Submissions (3):

Ambry Genetics
Classification: Uncertain significance for Inborn genetic diseases. Last evaluated: 2025-01-28. Review status: criteria provided, single submitter. Criteria: Ambry Variant Classification Scheme 2023. Collection method: clinical testing. Allele origin: germline.
Comment: The p.V452I variant (also known as c.1354G>A), located in coding exon 10 of the FANCG gene, results from a G to A substitution at nucleotide position 1354. The valine at codon 452 is replaced by isoleucine, an amino acid with highly similar properties. This amino acid position is conserved. In addition, this alteration is predicted to be tolerated by in silico analysis. Based on the available evidence, the clinical significance of this variant remains unclear.

Fulgent Genetics
Classification: Uncertain significance for Fanconi anemia complementation group G. Last evaluated: 2022-03-17. Review status: criteria provided, single submitter. Criteria: ACMG Guidelines, 2015. Collection method: clinical testing. Allele origin: unknown.

Genetic Services Laboratory, University of Chicago
Classification: Uncertain significance. Last evaluated: 2021-07-21. Review status: criteria provided, single submitter. Criteria: ACMG Guidelines, 2015. Collection method: clinical testing. Allele origin: germline. Affected: no.
Comment: DNA sequence analysis of the FANCG gene demonstrated a sequence change, c.1354G>A, in exon 10 that results in an amino acid change, p.Val452Ile. This sequence change does not appear to have been previously described in individuals with FANCG-related disorders. This sequence change has been described in the gnomAD database with a frequency of 0.039% in the South Asian subpopulation (dbSNP rs756069860). The p.Val452Ile change affects a poorly conserved amino acid residue located in a domain of the FANCG protein that is not known to be functional. The p.Val452Ile substitution appears to be benign using several in-silico pathogenicity prediction tools (SIFT, PolyPhen2, Align GVGD, REVEL). Due insufficient evidences and the lack of functional studies, the clinical significance of the p.Val452Ile change remains unknown at this time.